The following is an entry in ClinVar:

ClinVar aggregate classification (germline): Uncertain significance (1 of 4 stars; one submission).

Submission:

Ambry Genetics
Classification: Uncertain significance. Last evaluated: 2025-07-07. Review status: criteria provided, single submitter. Criteria: Ambry Variant Classification Scheme 2023. Collection method: clinical testing. Allele origin: germline.
Comment: The p.A579T variant (also known as c.1735G>A), located in coding exon 7 of the WNK2 gene, results from a G to A substitution at nucleotide position 1735. The alanine at codon 579 is replaced by threonine, an amino acid with similar properties. This amino acid position is conserved. In addition, this alteration is predicted to be tolerated by in silico analysis. Based on the available evidence, the clinical significance of this variant remains unclear.

NM_006648.4(WNK2):c.1735G>A (p.Ala579Thr)

Gene: WNK2 (WNK lysine deficient protein kinase 2; plus strand). Cytogenetic location: 9q22.31.
Variant type: single nucleotide variant.
Coding change: c.1735G>A on transcript NM_006648.4 (MANE Select); coding-DNA position 1735, G replaced by A.
Protein change: p.Ala579Thr; replaces alanine 579 with threonine.
Molecular consequence: missense variant.
Genome position (GRCh38, 1-based): chr9:93,247,735, G>A. VCF-style: chr9-93247735-G-A. GRCh37 (hg19) VCF-style: chr9-96010017-G-A.
Other names: c.1735G>A, p.Ala579Thr (NM_001282394.3); short protein forms A579T.
Identifiers: ClinVar variation 4201596 (VCV004201596.1).